The following is an entry in ClinVar:

NM_003482.4(KMT2D):c.15736A>G (p.Ile5246Val)

Gene: KMT2D (lysine methyltransferase 2D; minus strand). Cytogenetic location: 12q13.12.
Variant type: single nucleotide variant.
Coding change: c.15736A>G on transcript NM_003482.4 (MANE Select); coding-DNA position 15736, A replaced by G.
Protein change: p.Ile5246Val; replaces isoleucine 5246 with valine.
Molecular consequence: missense variant.
Genome position (GRCh38, 1-based): chr12:49,026,230, T>C on the plus strand (A>G on the coding strand, the complement: KMT2D is on the minus strand). VCF-style: chr12-49026230-T-C. GRCh37 (hg19) VCF-style: chr12-49420013-T-C.
Other names: short protein forms I5246V.
Identifiers: ClinVar variation 1714736 (VCV001714736.5), dbSNP rs887773024, ClinGen allele CA236633554.
Genomic context (GRCh38, chr12:49,026,230, plus strand): 5'-CCCACTGCTCACCCTGGGGAGAGGCGTCAGTGAAGACCAGGTCCTCCAGGCCCTGCTCGA[T>C]GACTTTGATTACAAACTCCGGCCGCCCGTTGTTCTCACCAATAGAACAGCGATAGCAGCA-3'
Protein context (NP_003473.3, residues 5236-5256): NGRPEFVIKV[Ile5246Val]EQGLEDLVFT

ClinVar aggregate classification (germline): Uncertain significance (1 of 4 stars; one submission).

Conditions:
Kabuki syndrome. Also called: Kabuki make-up syndrome; NIIKAWA-KUROKI SYNDROME. Identifiers: Orphanet 2322, MedGen C0796004, MONDO:0016512.

Allele frequency attached by ClinVar (database versions not stated): gnomAD exomes below 0.00001; TOPMed below 0.00001.

Submission:

Labcorp Genetics (formerly Invitae), Labcorp
Classification: Uncertain significance for Kabuki syndrome. Last evaluated: 2022-09-18. Review status: criteria provided, single submitter. Criteria: Invitae Variant Classification Sherloc (09022015). Collection method: clinical testing. Allele origin: germline.
Comment: In summary, the available evidence is currently insufficient to determine the role of this variant in disease. Therefore, it has been classified as a Variant of Uncertain Significance. Advanced modeling of protein sequence and biophysical properties (such as structural, functional, and spatial information, amino acid conservation, physicochemical variation, residue mobility, and thermodynamic stability) performed at Invitae indicates that this missense variant is not expected to disrupt KMT2D protein function. This variant has not been reported in the literature in individuals affected with KMT2D-related conditions. This variant is not present in population databases (gnomAD no frequency). This sequence change replaces isoleucine, which is neutral and non-polar, with valine, which is neutral and non-polar, at codon 5246 of the KMT2D protein (p.Ile5246Val).